The following is an entry in ClinVar:

ClinVar aggregate classification (germline): not provided (0 of 4 stars; one submission).

Conditions:
Large for gestational age. Identifiers: MedGen C1848395, HP:0001520.

Submission:

Institute of Molecular and Cell Biology, University of Tartu
No classification provided. Condition: Large for gestational age. Review status: no classification provided. Collection method: case-control. Allele origin: unknown. Affected: yes. Study: Kasak2014.
Comment: The study aimed to determine the contribution of copy number variants in the genetic etiology of normal and complicated pregnancies. The samples represented (i) maternal blood DNA drawn from healthy pregnant women during 1st or 2nd trimester and (ii) maternal and paternal blood DNA drawn at term pregnancy cases representing normal and complicated gestations (severe preeclampsia, PE; gestational diabetes, GD; small-for-gestational age newborn, SGA; large-for-gestational age newborn, LGA). We performed CNV calling based on genome-wide genotyping dataset (Illumina HumanOmniExpress-24-v1 BeadChip) by applying three algorithms, QuantiSNP, GADA (Genome Alteration Detection Algorithm) and CNstream in parallel. The acquired CNV calls were merged with HD-CNV (Hotspot Detector for Copy Number Variants) program and only the CNVs predicted by at least two programs, were considered in subsequent analysis.

Literature cited by the submitters: PubMed 25666259.

NC_000017.11:g.46084075_46290846dup

Genes: ARL17B (ARF like GTPase 17B; minus strand), KANSL1 (KAT8 regulatory NSL complex subunit 1), KANSL1-AS1 (KANSL1 antisense RNA 1), LRRC37A (leucine rich repeat containing 37A), LOC126862577 (P300/CBP strongly-dependent group 1 enhancer GRCh37_chr17:44361168-44362367; plus strand) and 1 more. Cytogenetic location: 17q21.31.
Variant type: Duplication.
Identifiers: ClinVar variation 157386 (VCV000157386.3).